The following is an entry in ClinVar:

ClinVar aggregate classification (germline): Conflicting classifications of pathogenicity. Review status: criteria provided, conflicting classifications (1 of 4 stars). 2 submissions from 2 submitters: Likely pathogenic (1); Uncertain significance (1). Last evaluated 2024-09-27.

Conditions:
Inborn genetic diseases. Identifiers: MedGen C0950123, MeSH D030342.
CEP290-related disorder. Also called: CEP290-related disorders; CEP290-related condition. Identifiers: MedGen CN239314.

Submissions (2):

Ambry Genetics
Classification: Uncertain significance for Inborn genetic diseases. Last evaluated: 2024-09-27. Review status: criteria provided, single submitter. Criteria: Ambry Variant Classification Scheme 2023. Collection method: clinical testing. Allele origin: germline.
Comment: The c.496-62_496dupTATTTTTAATTATGTATTACCTTTCTCATTTCTAATTACCGTTTTCCTGTCCTTTTCTGTAGA () gross duplication spans coding exons XXXX through XXXX in the CEP290 gene; however, the exact breakpoints of the deletion were not determined. Gene duplications are expected to disrupt gene function; however, it is unclear whether this duplication is disruptive to the CEP290 gene, or is merely duplicated adjacent to the original xxxx gene or located elsewhere in the genome (Mazzarella, R and Schlessinger, D Genome Res 1998;8:1007-1021). Based on insufficient or conflicting evidence, the clinical significance of this alteration remains unclear.

Blueprint Genetics
Classification: Likely pathogenic for CEP290-related disorders. Last evaluated: 2021-07-13. Review status: criteria provided, single submitter. Criteria: ACMG Guidelines, 2015. Collection method: clinical testing. Allele origin: germline. Affected: yes. Observed: 1 variant allele.

NM_025114.4(CEP290):c.496-62_496dup

Gene: CEP290 (centrosomal protein 290; minus strand). Cytogenetic location: 12q21.32.
Variant type: Duplication.
Coding change: c.496-62_496dup on transcript NM_025114.4 (MANE Select); 62 bases into the intron before coding-DNA position 496 through coding-DNA position 496, 63 bases duplicated.
Molecular consequence: splice acceptor variant.
Genome position (GRCh38, 1-based): chr12:88,130,565-88,130,627, 63 bases duplicated. GRCh37 (hg19): chr12:88,524,342-88,524,404.
Identifiers: ClinVar variation 3490701 (VCV003490701.2).